The following is an entry in ClinVar:

ClinVar aggregate classification (germline): Uncertain significance (1 of 4 stars; one submission).

Conditions:
Hereditary cancer-predisposing syndrome. Also called: Tumor predisposition; Hereditary neoplastic syndrome; Hereditary Cancer Syndrome; Neoplastic Syndromes, Hereditary. Identifiers: Orphanet 140162, MedGen C0027672, MeSH D009386, MONDO:0015356.

gnomAD v4.1: 1 of 1,614,178 alleles (0.000062%); highest among the groups gnomAD compares: African/African-American, 0.0013%; no homozygotes.

Submission:

Ambry Genetics
Classification: Uncertain significance for Hereditary cancer-predisposing syndrome. Last evaluated: 2024-01-17. Review status: criteria provided, single submitter. Criteria: Ambry Variant Classification Scheme 2023. Collection method: clinical testing. Allele origin: germline.
Comment: The p.Q123P variant (also known as c.368A>C), located in coding exon 2 of the BLM gene, results from an A to C substitution at nucleotide position 368. The glutamine at codon 123 is replaced by proline, an amino acid with similar properties. This amino acid position is conserved. In addition, this alteration is predicted to be tolerated by in silico analysis. Based on the available evidence, the clinical significance of this alteration remains unclear.

NM_000057.4(BLM):c.368A>C (p.Gln123Pro)

Gene: BLM (BLM RecQ like helicase; plus strand). Cytogenetic location: 15q26.1.
Variant type: single nucleotide variant.
Coding change: c.368A>C on transcript NM_000057.4 (MANE Select); coding-DNA position 368, A replaced by C.
Protein change: p.Gln123Pro; replaces glutamine 123 with proline.
Molecular consequence: missense variant. On other transcripts: 5 prime UTR variant (1).
Genome position (GRCh38, 1-based): chr15:90,749,636, A>C. VCF-style: chr15-90749636-A-C. GRCh37 (hg19) VCF-style: chr15-91292866-A-C.
Other names: c.368A>C, p.Gln123Pro (NM_001287246.2, NM_001287247.2); c.-924A>C (NM_001287248.2); short protein forms Q123P.
Identifiers: ClinVar variation 3224563 (VCV003224563.1), dbSNP rs371223446, ClinGen allele CA393840402.
Genomic context (GRCh38, chr15:90,749,636, plus strand): 5'-GATCAAAATCATTATTGCCAGATTTCTTGCAGACTCCGAAGGAAGTTGTATGCACTACCC[A>C]AAACACACCAACTGTAAAGAAATCCCGGGATACTGCTCTCAAGAAATTAGAATTTAGTTC-3'
Protein context (NP_000048.1, residues 113-133): QTPKEVVCTT[Gln123Pro]NTPTVKKSRD